The following is an entry in ClinVar:

ClinVar aggregate classification (germline): Uncertain significance (1 of 4 stars; one submission).

Allele frequency attached by ClinVar (database versions not stated): TOPMed 0.00002; gnomAD 0.00003 and 0.00004; gnomAD exomes 0.00003 and 0.00004.
gnomAD v4.1: 50 of 1,550,728 alleles (0.0032%); highest among the groups gnomAD compares: African/African-American, 0.0055%; no homozygotes.

Submission:

GeneDx
Classification: Uncertain significance. Last evaluated: 2021-06-21. Review status: criteria provided, single submitter. Criteria: GeneDx Variant Classification Process June 2021. Collection method: clinical testing. Allele origin: germline. Affected: yes.
Comment: In silico analysis supports that this missense variant has a deleterious effect on protein structure/function; Has not been previously published as pathogenic or benign to our knowledge; This variant is associated with the following publications: (PMID: 27535533)

NM_001292063.2(OTOG):c.3430C>T (p.Arg1144Trp)

Gene: OTOG (otogelin; plus strand). Cytogenetic location: 11p15.1.
Variant type: single nucleotide variant.
Coding change: c.3430C>T on transcript NM_001292063.2 (MANE Select); coding-DNA position 3430, C replaced by T.
Protein change: p.Arg1144Trp; replaces arginine 1144 with tryptophan.
Molecular consequence: missense variant.
Genome position (GRCh38, 1-based): chr11:17,596,059, C>T. VCF-style: chr11-17596059-C-T. GRCh37 (hg19) VCF-style: chr11-17617606-C-T.
Other names: c.3466C>T, p.Arg1156Trp (NM_001277269.2); short protein forms R1144W, R1156W.
Identifiers: ClinVar variation 1329606 (VCV001329606.2), dbSNP rs548446522, ClinGen allele CA218461627.